The following is an entry in ClinVar:

ClinVar aggregate classification (germline): Uncertain significance (1 of 4 stars; one submission).

Conditions:
Neuronal ceroid lipofuscinosis. Also called: Neuronal Ceroid Lipofuscinoses. Identifiers: Orphanet 216, Orphanet 79263, MedGen C0027877, MONDO:0016295. Disease mechanism: loss of function.

Allele frequency attached by ClinVar (database versions not stated): gnomAD exomes below 0.00001; gnomAD 0.00001; TOPMed 0.00001; ESP Exome Variant Server 0.00008.

Submission:

Labcorp Genetics (formerly Invitae), Labcorp
Classification: Uncertain significance for Neuronal ceroid lipofuscinosis. Last evaluated: 2022-03-26. Review status: criteria provided, single submitter. Criteria: Invitae Variant Classification Sherloc (09022015). Collection method: clinical testing. Allele origin: germline.
Comment: This variant has not been reported in the literature in individuals affected with CLN8-related conditions. In summary, the available evidence is currently insufficient to determine the role of this variant in disease. Therefore, it has been classified as a Variant of Uncertain Significance. Advanced modeling of protein sequence and biophysical properties (such as structural, functional, and spatial information, amino acid conservation, physicochemical variation, residue mobility, and thermodynamic stability) performed at Invitae indicates that this missense variant is expected to disrupt CLN8 protein function. This variant is not present in population databases (gnomAD no frequency). This sequence change replaces tyrosine, which is neutral and polar, with cysteine, which is neutral and slightly polar, at codon 248 of the CLN8 protein (p.Tyr248Cys).

NM_018941.4(CLN8):c.743A>G (p.Tyr248Cys)

Gene: CLN8 (CLN8 transmembrane ER and ERGIC protein; plus strand). Cytogenetic location: 8p23.3.
Variant type: single nucleotide variant.
Coding change: c.743A>G on transcript NM_018941.4 (MANE Select); coding-DNA position 743, A replaced by G.
Protein change: p.Tyr248Cys; replaces tyrosine 248 with cysteine.
Molecular consequence: missense variant.
Genome position (GRCh38, 1-based): chr8:1,780,449, A>G. VCF-style: chr8-1780449-A-G. GRCh37 (hg19) VCF-style: chr8-1728615-A-G.
Other names: short protein forms Y248C.
Identifiers: ClinVar variation 2174621 (VCV002174621.4), dbSNP rs145349613, ClinGen allele CA170448685.